The following is an entry in ClinVar:

NM_206933.4(USH2A):c.1027T>C (p.Ser343Pro)

Gene: USH2A (usherin; minus strand). Cytogenetic location: 1q41.
Variant type: single nucleotide variant.
Coding change: c.1027T>C on transcript NM_206933.4 (MANE Select); coding-DNA position 1027, T replaced by C.
Protein change: p.Ser343Pro; replaces serine 343 with proline.
Molecular consequence: missense variant.
Genome position (GRCh38, 1-based): chr1:216,325,421, A>G on the plus strand (T>C on the coding strand, the complement: USH2A is on the minus strand). VCF-style: chr1-216325421-A-G. GRCh37 (hg19) VCF-style: chr1-216498763-A-G.
Other names: c.1027T>C, p.Ser343Pro (NM_007123.6); short protein forms S343P.
Identifiers: ClinVar variation 1412680 (VCV001412680.8), dbSNP rs397517965, ClinGen allele CA344912412.

ClinVar aggregate classification (germline): Uncertain significance. Review status: criteria provided, multiple submitters, no conflicts (2 of 4 stars). 2 submissions from 2 submitters: Uncertain significance (2). Last evaluated 2024-10-25.

gnomAD v4.1: 6 of 1,613,930 alleles (0.00037%); highest among the groups gnomAD compares: Middle Eastern, 0.017%; no homozygotes.

Submissions (2):

Labcorp Genetics (formerly Invitae), Labcorp
Classification: Uncertain significance. Last evaluated: 2024-10-25. Review status: criteria provided, single submitter. Criteria: Invitae Variant Classification Sherloc (09022015). Collection method: clinical testing. Allele origin: germline.
Comment: This sequence change replaces serine, which is neutral and polar, with proline, which is neutral and non-polar, at codon 343 of the USH2A protein (p.Ser343Pro). This variant is not present in population databases (gnomAD no frequency). This variant has not been reported in the literature in individuals affected with USH2A-related conditions. ClinVar contains an entry for this variant (Variation ID: 1412680). Invitae Evidence Modeling of protein sequence and biophysical properties (such as structural, functional, and spatial information, amino acid conservation, physicochemical variation, residue mobility, and thermodynamic stability) indicates that this missense variant is not expected to disrupt USH2A protein function with a negative predictive value of 95%. In summary, the available evidence is currently insufficient to determine the role of this variant in disease. Therefore, it has been classified as a Variant of Uncertain Significance.

Blueprint Genetics
Classification: Uncertain significance. Last evaluated: 2022-08-24. Review status: criteria provided, single submitter. Criteria: ACMG Guidelines, 2015. Collection method: clinical testing. Allele origin: germline.